The following is an entry in ClinVar:

ClinVar aggregate classification (germline): Uncertain significance (1 of 4 stars; one submission).

Submission:

Labcorp Genetics (formerly Invitae), Labcorp
Classification: Uncertain significance. Last evaluated: 2022-07-23. Review status: criteria provided, single submitter. Criteria: Invitae Variant Classification Sherloc (09022015). Collection method: clinical testing. Allele origin: germline.
Comment: A gross deletion of the genomic region encompassing the full coding sequence of the PIGP gene has been identified. The current clinical and genetic evidence is not sufficient to establish whether loss-of-function variants in PIGP cause disease. The boundaries of this event are unknown as they extend beyond the assayed region for this gene and therefore may encompass additional genes. This variant has not been reported in the literature in individuals affected with PIGP-related conditions. In summary, the available evidence is currently insufficient to determine the role of this variant in disease. Therefore, it has been classified as a Variant of Uncertain Significance.

NC_000021.8:g.(?_38437882)_(38444887_?)del

Gene: PIGP (phosphatidylinositol glycan anchor biosynthesis class P; minus strand). Cytogenetic location: 21q22.13.
Variant type: Deletion.
Identifiers: ClinVar variation 1412845 (VCV001412845.4).